The following is an entry in ClinVar:

NM_032119.4(ADGRV1):c.1850_1851del (p.Val617fs)

Gene: ADGRV1 (adhesion G protein-coupled receptor V1; plus strand). Cytogenetic location: 5q14.3.
Variant type: Microsatellite.
Coding change: c.1850_1851del on transcript NM_032119.4 (MANE Select); coding-DNA positions 1850 to 1851, 2 bases deleted (TG; older notation c.1850_1851delTG).
Protein change: p.Val617fs; shifts the reading frame from valine 617.
Molecular consequence: frameshift variant. On other transcripts: non-coding transcript variant (1).
Genome position (GRCh38, 1-based): chr5:90,635,124-90,635,125, TG deleted; deleting any 2 consecutive bases within chr5:90,635,122-90,635,125 gives the same sequence; the c. name uses the placement nearest the transcript's 3' end. VCF-style (leftmost placement, unchanged base first): chr5-90635121-CTG-C. GRCh37 (hg19) VCF-style: chr5-89930938-CTG-C.
Other names: short protein forms V617fs.
Identifiers: ClinVar variation 2429296 (VCV002429296.3), dbSNP rs2531899300, ClinGen allele CA2578358678.
Genomic context (GRCh38, chr5:90,635,121, plus strand): 5'-AAAATTTATATTCTATCAATTCTTACTACTTTTTGTGTATTTGTTTATTATAGTTGGAAA[CTG>C]TGGAGTTGTTAAACATAATTCCTCTAATCCCACCCATAAGCCCTAGATTTGGGGAAATCT-3'

ClinVar aggregate classification (germline): Likely pathogenic (1 of 4 stars; one submission).

Conditions:
ADGRV1-related disorder. Also called: ADGRV1-related disorders; ADGRV1-related condition.

Submission:

Women's Health and Genetics/Laboratory Corporation of America, LabCorp
Classification: Likely pathogenic for ADGRV1-Related Disorders. Last evaluated: 2023-01-31. Review status: criteria provided, single submitter. Criteria: LabCorp Variant Classification Summary - May 2015. Collection method: clinical testing. Allele origin: germline.
Comment: Variant summary: ADGRV1 c.1850_1851delTG (p.Val617GlyfsX15) results in a premature termination codon, predicted to cause a truncation of the encoded protein or absence of the protein due to nonsense mediated decay, which are commonly known mechanisms for disease. Truncations downstream of this position have been classified as pathogenic by our laboratory and in ClinVar. The variant was absent in 245606 control chromosomes (gnomAD). To our knowledge, no occurrence of c.1850_1851delTG in individuals affected with ADGRV1-Related Disorders and no experimental evidence demonstrating its impact on protein function have been reported. No clinical diagnostic laboratories have submitted clinical-significance assessments for this variant to ClinVar after 2014. Based on the evidence outlined above, the variant was classified as likely pathogenic.